The following is an entry in ClinVar:

NM_004560.4(ROR2):c.2035G>A (p.Gly679Ser)

Gene: ROR2 (receptor tyrosine kinase like orphan receptor 2; minus strand). Cytogenetic location: 9q22.31.
Variant type: single nucleotide variant.
Coding change: c.2035G>A on transcript NM_004560.4 (MANE Select); coding-DNA position 2035, G replaced by A.
Protein change: p.Gly679Ser; replaces glycine 679 with serine.
Molecular consequence: missense variant.
Genome position (GRCh38, 1-based): chr9:91,724,459, C>T on the plus strand (G>A on the coding strand, the complement: ROR2 is on the minus strand). VCF-style: chr9-91724459-C-T. GRCh37 (hg19) VCF-style: chr9-94486741-C-T.
Other names: short protein forms G679S.
Identifiers: ClinVar variation 3434824 (VCV003434824.3).

ClinVar aggregate classification (germline): Uncertain significance. Review status: criteria provided, multiple submitters, no conflicts (2 of 4 stars). 2 submissions from 2 submitters: Uncertain significance (2). Last evaluated 2024-07-31.

Conditions:
Inborn genetic diseases. Identifiers: MedGen C0950123, MeSH D030342.

gnomAD v4.1: 8 of 1,614,192 alleles (0.0005%); highest among the groups gnomAD compares: South Asian, 0.0011%; no homozygotes.

Submissions (2):

Ambry Genetics
Classification: Uncertain significance for Inborn genetic diseases. Last evaluated: 2024-07-31. Review status: criteria provided, single submitter. Criteria: Ambry Variant Classification Scheme 2023. Collection method: clinical testing. Allele origin: germline.

Labcorp Genetics (formerly Invitae), Labcorp
Classification: Uncertain significance. Last evaluated: 2024-03-09. Review status: criteria provided, single submitter. Criteria: Invitae Variant Classification Sherloc (09022015). Collection method: clinical testing. Allele origin: germline.
Comment: This sequence change replaces glycine, which is neutral and non-polar, with serine, which is neutral and polar, at codon 679 of the ROR2 protein (p.Gly679Ser). This variant is not present in population databases (gnomAD no frequency). This variant has not been reported in the literature in individuals affected with ROR2-related conditions. Advanced modeling of protein sequence and biophysical properties (such as structural, functional, and spatial information, amino acid conservation, physicochemical variation, residue mobility, and thermodynamic stability) performed at Invitae indicates that this missense variant is expected to disrupt ROR2 protein function with a positive predictive value of 80%. In summary, the available evidence is currently insufficient to determine the role of this variant in disease. Therefore, it has been classified as a Variant of Uncertain Significance.